The following is an entry in ClinVar:

NM_021830.5(TWNK):c.828G>A (p.Thr276=)

Gene: TWNK (twinkle mtDNA helicase; plus strand). Cytogenetic location: 10q24.31.
Variant type: single nucleotide variant.
Coding change: c.828G>A on transcript NM_021830.5 (MANE Select); coding-DNA position 828, G replaced by A.
Protein change: p.Thr276=; no amino-acid change (threonine 276 retained).
Molecular consequence: synonymous variant. On other transcripts: non-coding transcript variant (4), intron variant (3).
Genome position (GRCh38, 1-based): chr10:100,989,038, G>A. VCF-style: chr10-100989038-G-A. GRCh37 (hg19) VCF-style: chr10-102748795-G-A.
Other names: c.828G>A (NM_021830.4); c.828G>A, p.Thr276= (NM_001163812.2); c.-119-606G>A (NM_001163814.2, NM_001163813.2); c.-57-668G>A (NM_001368275.1).
Identifiers: ClinVar variation 2192213 (VCV002192213.6), dbSNP rs754745412, ClinGen allele CA5653123.

ClinVar aggregate classification (germline): Likely benign. Review status: criteria provided, single submitter (1 of 4 stars). 2 submissions from 2 submitters: Likely benign (1). 1 of the submissions does not count toward it. Last evaluated 2023-12-22.

Conditions:
TWNK-related disorder. Also called: TWNK-related condition.

Allele frequency attached by ClinVar (database versions not stated): ExAC 0.00001; TOPMed 0.00002; gnomAD 0.00003.

Submissions (2):

Labcorp Genetics (formerly Invitae), Labcorp
Classification: Likely benign. Last evaluated: 2023-12-22. Review status: criteria provided, single submitter. Criteria: Invitae Variant Classification Sherloc (09022015). Collection method: clinical testing. Allele origin: germline.

PreventionGenetics, part of Exact Sciences
Classification: Likely benign for TWNK-related condition. Last evaluated: 2020-05-11. Review status: no assertion criteria provided. Collection method: clinical testing. Allele origin: germline. Not counted in ClinVar's aggregate classification.
Comment: This variant is classified as likely benign based on ACMG/AMP sequence variant interpretation guidelines (Richards et al. 2015 PMID: 25741868, with internal and published modifications).